The following is an entry in ClinVar:

NM_001035.3(RYR2):c.11034_11035del (p.Lys3679fs)

Gene: RYR2 (ryanodine receptor 2; plus strand). Cytogenetic location: 1q43.
Variant type: Microsatellite.
Coding change: c.11034_11035del on transcript NM_001035.3 (MANE Select); coding-DNA positions 11034 to 11035, 2 bases deleted (GA; older notation c.11034_11035delGA).
Protein change: p.Lys3679fs; shifts the reading frame from lysine 3679.
Molecular consequence: frameshift variant.
Genome position (GRCh38, 1-based): chr1:237,732,144-237,732,145, GA deleted; deleting any 2 consecutive bases within chr1:237,732,141-237,732,145 gives the same sequence; the c. name uses the placement nearest the transcript's 3' end. VCF-style (leftmost placement, unchanged base first): chr1-237732140-CAG-C. GRCh37 (hg19) VCF-style: chr1-237895440-CAG-C.
Other names: short protein forms K3679fs.
Identifiers: ClinVar variation 4851916 (VCV004851916.1).
Genomic context (GRCh38, chr1:237,732,140, plus strand): 5'-GCACTAAGAGAGTTGATCCTCTACATCAGCTGATCCTTCTGTTTAGTCGGACAGCTTTAA[CAG>C]AGAAATGGTATGGTTGGGAGGGTTCCTATGAGACATAGGAGGAGCAAATAAAGACACCCG-3'

ClinVar aggregate classification (germline): Uncertain significance (1 of 4 stars; one submission).

Submission:

Dasa
Classification: Uncertain significance. Last evaluated: 2026-03-20. Review status: criteria provided, single submitter. Criteria: DASA Assertion Criteria. Collection method: clinical testing. Allele origin: germline.
Comment: NM_001035.3(RYR2):c.11034_11035del (p.Lys3679Metfs*22) introduces a premature termination codon predicted to result in loss of normal protein function. Loss-of-function is an established mechanism of disease for this gene. The variant is present at low frequency in population datasets. Based on the available data, this variant is classified as variant of uncertain significance.